The following is an entry in ClinVar:

ClinVar aggregate classification (germline): Pathogenic/Likely pathogenic. Review status: criteria provided, multiple submitters, no conflicts (2 of 4 stars). 6 submissions from 6 submitters: Pathogenic (5); Likely pathogenic (1). Last evaluated 2024-04-08.

Conditions:
Amyotrophic lateral sclerosis type 12 (ALS12). Also called: AMYOTROPHIC LATERAL SCLEROSIS 12 WITH OR WITHOUT FRONTOTEMPORAL DEMENTIA. Identifiers: Orphanet 803, MedGen C3150692, MONDO:0013264, OMIM 613435.
Glaucoma 1, open angle, E. Identifiers: MedGen C1842026, MONDO:0007665.
Primary open angle glaucoma (POAG). Also called: OPTN-related open angle glaucoma. Identifiers: MedGen C0339573, MONDO:0100553, OMIM 137760.

Submissions (6):

Labcorp Genetics (formerly Invitae), Labcorp
Classification: Pathogenic for Primary open angle glaucoma; Glaucoma 1, open angle, E; Amyotrophic lateral sclerosis type 12. Last evaluated: 2024-04-08. Review status: criteria provided, single submitter. Criteria: Invitae Variant Classification Sherloc (09022015). Collection method: clinical testing. Allele origin: germline.
Comment: This sequence change creates a premature translational stop signal (p.Lys360Valfs*18) in the OPTN gene. It is expected to result in an absent or disrupted protein product. Loss-of-function variants in OPTN are known to be pathogenic (PMID: 20428114). This variant is not present in population databases (gnomAD no frequency). This premature translational stop signal has been observed in individual(s) with autosomal recessive amyotrophic lateral sclerosis (PMID: 25681989). This variant is also known as deltaAA del at P.359*. ClinVar contains an entry for this variant (Variation ID: 873266). Algorithms developed to predict the effect of sequence changes on RNA splicing suggest that this variant may disrupt the consensus splice site. For these reasons, this variant has been classified as Pathogenic.

Human Genetics Bochum, Ruhr University Bochum
Classification: Pathogenic for Amyotrophic lateral sclerosis type 12. Last evaluated: 2023-08-16. Review status: criteria provided, single submitter. Criteria: ACMG Guidelines, 2015. Collection method: clinical testing. Allele origin: germline. Affected: yes.
Comment: ACMG criteria used to clasify this variant:PVS1, PS4_SUP, PM2_SUP, PP1

CeGaT Center for Human Genetics Tuebingen
Classification: Pathogenic. Last evaluated: 2022-11-01. Review status: criteria provided, single submitter. Criteria: CeGaT Center For Human Genetics Tuebingen Variant Classification Criteria Version 2. Collection method: clinical testing. Allele origin: germline. Affected: yes. Observed: 1 variant allele.
Comment: OPTN: PVS1, PM3:Strong, PP1:Strong, PM2

Institute of Human Genetics Munich, TUM University Hospital
Classification: Pathogenic for Amyotrophic lateral sclerosis type 12. Last evaluated: 2020-12-17. Review status: criteria provided, single submitter. Criteria: Classification criteria August 2017. Collection method: clinical testing. Allele origin: germline. Inheritance: Autosomal recessive inheritance. Affected: yes. Observed: 1 variant allele.

Institute of Medical Genetics and Applied Genomics, University Hospital Tübingen
Classification: Pathogenic. Last evaluated: 2020-10-23. Review status: criteria provided, single submitter. Criteria: ACMG Guidelines, 2015. Collection method: clinical testing. Allele origin: germline. Inheritance: Autosomal unknown. Affected: yes.

Suna and Inan Kirac Foundation Neurodegeneration Research Laboratory, Koc University
Classification: Likely pathogenic for Amyotrophic lateral sclerosis type 12. Last evaluated: 2020-03-31. Review status: criteria provided, single submitter. Criteria: ACMG Guidelines, 2015. Collection method: research. Allele origin: germline. Affected: yes. Observed: 10 variant alleles.

Literature cited by the submitters: PubMed 20428114 (cited by Labcorp Genetics (formerly Invitae), Labcorp); PubMed 25681989 (cited by Labcorp Genetics (formerly Invitae), Labcorp).

NM_001008212.2(OPTN):c.1078_1079del (p.Lys360fs)

Gene: OPTN (optineurin; plus strand). Cytogenetic location: 10p13.
Variant type: Deletion.
Coding change: c.1078_1079del on transcript NM_001008212.2 (MANE Select); coding-DNA positions 1078 to 1079, 2 bases deleted (AA; older notation c.1078_1079delAA).
Protein change: p.Lys360fs; shifts the reading frame from lysine 360.
Molecular consequence: frameshift variant.
Genome position (GRCh38, 1-based): chr10:13,125,497-13,125,498, AA deleted; deleting any 2 consecutive bases within chr10:13,125,494-13,125,498 gives the same sequence; the c. name uses the placement nearest the transcript's 3' end. VCF-style (leftmost placement, unchanged base first): chr10-13125493-CAA-C. GRCh37 (hg19) VCF-style: chr10-13167493-CAA-C.
Other names: c.1078_1079del, p.Lys360fs (NM_001008211.1, NM_001008213.1, NM_021980.4); c.1078_1079delAA (NM_021980.4); short protein forms K360fs.
Identifiers: ClinVar variation 873266 (VCV000873266.37), dbSNP rs1833438306, ClinGen allele CA1139661386.